The following is an entry in ClinVar:

ClinVar aggregate classification (germline): Uncertain significance (1 of 4 stars; one submission).

Allele frequency attached by ClinVar (database versions not stated): TOPMed below 0.00001.

Submission:

Labcorp Genetics (formerly Invitae), Labcorp
Classification: Uncertain significance. Last evaluated: 2024-09-10. Review status: criteria provided, single submitter. Criteria: Invitae Variant Classification Sherloc (09022015). Collection method: clinical testing. Allele origin: germline.
Comment: This sequence change replaces alanine, which is neutral and non-polar, with valine, which is neutral and non-polar, at codon 1225 of the FLNB protein (p.Ala1225Val). This variant is not present in population databases (gnomAD no frequency). This variant has not been reported in the literature in individuals affected with FLNB-related conditions. ClinVar contains an entry for this variant (Variation ID: 1369679). Invitae Evidence Modeling of protein sequence and biophysical properties (such as structural, functional, and spatial information, amino acid conservation, physicochemical variation, residue mobility, and thermodynamic stability) indicates that this missense variant is not expected to disrupt FLNB protein function with a negative predictive value of 95%. In summary, the available evidence is currently insufficient to determine the role of this variant in disease. Therefore, it has been classified as a Variant of Uncertain Significance.

NM_001457.4(FLNB):c.3674C>T (p.Ala1225Val)

Gene: FLNB (filamin B; plus strand). Cytogenetic location: 3p14.3.
Variant type: single nucleotide variant.
Coding change: c.3674C>T on transcript NM_001457.4 (MANE Select); coding-DNA position 3674, C replaced by T.
Protein change: p.Ala1225Val; replaces alanine 1225 with valine.
Molecular consequence: missense variant.
Genome position (GRCh38, 1-based): chr3:58,123,640, C>T. VCF-style: chr3-58123640-C-T. GRCh37 (hg19) VCF-style: chr3-58109367-C-T.
Other names: c.3674C>T, p.Ala1225Val (NM_001164317.2, NM_001164318.2, NM_001164319.2); short protein forms A1225V.
Identifiers: ClinVar variation 1369679 (VCV001369679.6), dbSNP rs2097292684, ClinGen allele CA353349284.